The following is an entry in ClinVar:

ClinVar aggregate classification (germline): Uncertain significance (1 of 4 stars; one submission).

Submission:

GeneDx
Classification: Uncertain significance. Last evaluated: 2023-12-12. Review status: criteria provided, single submitter. Criteria: GeneDx Variant Classification Process June 2021. Collection method: clinical testing. Allele origin: germline. Affected: yes.
Comment: Not observed at significant frequency in large population cohorts (gnomAD); In-frame deletion of 1 amino acids in a non-repeat region; Has not been previously published as pathogenic or benign to our knowledge

NM_001267550.2(TTN):c.2874_2879del (p.Glu958_Val960delinsAsp)

Gene: TTN (titin; minus strand). Cytogenetic location: 2q31.2.
Variant type: Deletion.
Coding change: c.2874_2879del on transcript NM_001267550.2 (MANE Select); coding-DNA positions 2874 to 2879, 6 bases deleted (ATCTGT; older notation c.2874_2879delATCTGT).
Protein change: p.Glu958_Val960delinsAsp.
Molecular consequence: inframe indel.
Genome position (GRCh38, 1-based): chr2:178,783,027-178,783,032, ACAGAT deleted on the plus strand (ATCTGT on the coding strand, the reverse complement: TTN is on the minus strand). VCF-style (leftmost placement, unchanged base first): chr2-178783026-GACAGAT-G. GRCh37 (hg19) VCF-style: chr2-179647753-GACAGAT-G.
Other names: c.2874_2879del, p.Glu958_Val960delinsAsp (NM_001256850.1, NM_133378.4, NM_133379.5); c.2874_2879delATCTGT, p.Glu958_Val960delinsAsp (NM_001267550.1); c.2736_2741del, p.Glu912_Val914delinsAsp (NM_003319.4, NM_133432.3, NM_133437.4).
Identifiers: ClinVar variation 3365278 (VCV003365278.1).
Genomic context (GRCh38, chr2:178,783,026, plus strand): 5'-GTCTTCCCTGTACCATGTCACTGTCGGGGATGGGTATCCAGAGATGTGGCACTCCAAGGT[GACAGAT>G]TCACCTTCTATGACAGTCACATTTTTTAAGCCCTGAAGAGAGGAGAAAAAATAAATAATG-3'